The following is an entry in ClinVar:

NM_018975.4(TERF2IP):c.959A>T (p.Gln320Leu)

Gene: TERF2IP (TERF2 interacting protein; plus strand). Cytogenetic location: 16q23.1.
Variant type: single nucleotide variant.
Coding change: c.959A>T on transcript NM_018975.4 (MANE Select); coding-DNA position 959, A replaced by T.
Protein change: p.Gln320Leu; replaces glutamine 320 with leucine.
Molecular consequence: missense variant. On other transcripts: non-coding transcript variant (1).
Genome position (GRCh38, 1-based): chr16:75,656,370, A>T. VCF-style: chr16-75656370-A-T. GRCh37 (hg19) VCF-style: chr16-75690268-A-T.
Other names: short protein forms Q320L.
Identifiers: ClinVar variation 3455133 (VCV003455133.1).
Genomic context (GRCh38, chr16:75,656,370, plus strand): 5'-AAGAAGAAGAAGAAAAAGTTTCTCAACCAGAGGTGGGAGCTGCCATTAAGATCATTCGGC[A>T]GTTAATGGAGAAGTTTAACTTGGATCTATCAACAGTTACACAGGCCTTCCTAAAAAATAG-3'
Protein context (NP_061848.2, residues 310-330): EVGAAIKIIR[Gln320Leu]LMEKFNLDLS

ClinVar aggregate classification (germline): Uncertain significance (1 of 4 stars; one submission).

Submission:

Ambry Genetics
Classification: Uncertain significance. Last evaluated: 2024-10-31. Review status: criteria provided, single submitter. Criteria: Ambry Variant Classification Scheme 2023. Collection method: clinical testing. Allele origin: germline.
Comment: The p.Q320L variant (also known as c.959A>T), located in coding exon 3 of the TERF2IP gene, results from an A to T substitution at nucleotide position 959. The glutamine at codon 320 is replaced by leucine, an amino acid with dissimilar properties. This amino acid position is conserved. In addition, this alteration is predicted to be tolerated by in silico analysis. Based on the available evidence, the clinical significance of this variant remains unclear.